The following is an entry in ClinVar:

ClinVar aggregate classification (germline): Uncertain significance (1 of 4 stars; one submission).

Conditions:
GLUT1 deficiency syndrome 1, autosomal recessive. Identifiers: MedGen C3149117.

Submission:

Labcorp Genetics (formerly Invitae), Labcorp
Classification: Uncertain significance for GLUT1 deficiency syndrome 1, autosomal recessive. Last evaluated: 2023-11-17. Review status: criteria provided, single submitter. Criteria: Invitae Variant Classification Sherloc (09022015). Collection method: clinical testing. Allele origin: germline.
Comment: This sequence change replaces proline, which is neutral and non-polar, with alanine, which is neutral and non-polar, at codon 271 of the SLC2A1 protein (p.Pro271Ala). This variant is not present in population databases (gnomAD no frequency). This variant has not been reported in the literature in individuals affected with SLC2A1-related conditions. Advanced modeling of protein sequence and biophysical properties (such as structural, functional, and spatial information, amino acid conservation, physicochemical variation, residue mobility, and thermodynamic stability) performed at Invitae indicates that this missense variant is expected to disrupt SLC2A1 protein function with a positive predictive value of 95%. In summary, the available evidence is currently insufficient to determine the role of this variant in disease. Therefore, it has been classified as a Variant of Uncertain Significance.

NM_006516.4(SLC2A1):c.811C>G (p.Pro271Ala)

Gene: SLC2A1 (solute carrier family 2 member 1; minus strand). Cytogenetic location: 1p34.2.
Variant type: single nucleotide variant.
Coding change: c.811C>G on transcript NM_006516.4 (MANE Select); coding-DNA position 811, C replaced by G.
Protein change: p.Pro271Ala; replaces proline 271 with alanine.
Molecular consequence: missense variant.
Genome position (GRCh38, 1-based): chr1:42,929,649, G>C on the plus strand (C>G on the coding strand, the complement: SLC2A1 is on the minus strand). VCF-style: chr1-42929649-G-C. GRCh37 (hg19) VCF-style: chr1-43395320-G-C.
Other names: short protein forms P271A.
Identifiers: ClinVar variation 2836471 (VCV002836471.3), dbSNP rs2524992082, ClinGen allele CA339957491.